The following is an entry in ClinVar:

ClinVar aggregate classification (germline): Uncertain significance. Review status: criteria provided, multiple submitters, no conflicts (2 of 4 stars). 3 submissions from 3 submitters: Uncertain significance (3). Last evaluated 2025-08-02.

Conditions:
Inborn genetic diseases. Identifiers: MedGen C0950123, MeSH D030342.

Allele frequency attached by ClinVar (database versions not stated): ExAC 0.00002; gnomAD exomes 0.00002; TOPMed 0.00002; gnomAD 0.00005.
gnomAD v4.1: 49 of 1,613,690 alleles (0.003%); highest among the groups gnomAD compares: East Asian, 0.0045%; no homozygotes.

Submissions (3):

Ambry Genetics
Classification: Uncertain significance for Inborn genetic diseases. Last evaluated: 2025-08-02. Review status: criteria provided, single submitter. Criteria: Ambry Variant Classification Scheme 2023. Collection method: clinical testing. Allele origin: germline.

Labcorp Genetics (formerly Invitae), Labcorp
Classification: Uncertain significance. Last evaluated: 2025-07-27. Review status: criteria provided, single submitter. Criteria: Invitae Variant Classification Sherloc (09022015). Collection method: clinical testing. Allele origin: germline.
Comment: This sequence change replaces arginine, which is basic and polar, with glutamine, which is neutral and polar, at codon 447 of the ERCC6 protein (p.Arg447Gln). This variant is present in population databases (rs750935710, gnomAD 0.005%). This variant has not been reported in the literature in individuals affected with ERCC6-related conditions. ClinVar contains an entry for this variant (Variation ID: 287233). Invitae Evidence Modeling of protein sequence and biophysical properties (such as structural, functional, and spatial information, amino acid conservation, physicochemical variation, residue mobility, and thermodynamic stability) indicates that this missense variant is not expected to disrupt ERCC6 protein function with a negative predictive value of 95%. In summary, the available evidence is currently insufficient to determine the role of this variant in disease. Therefore, it has been classified as a Variant of Uncertain Significance.

Eurofins Ntd Llc (ga)
Classification: Uncertain significance. Last evaluated: 2016-04-25. Review status: criteria provided, single submitter. Criteria: EGL Classification Definitions 2015. Collection method: clinical testing. Allele origin: germline. Observed: 1 variant allele, 1 heterozygote.

NM_000124.4(ERCC6):c.1340G>A (p.Arg447Gln)

Genes: ERCC6 (ERCC excision repair 6, chromatin remodeling factor; minus strand), PGBD3 (piggyBac transposable element derived 3; minus strand). Cytogenetic location: 10q11.23.
Variant type: single nucleotide variant.
Coding change: c.1340G>A on transcript NM_000124.4 (MANE Select); coding-DNA position 1340, G replaced by A.
Protein change: p.Arg447Gln; replaces arginine 447 with glutamine.
Molecular consequence: missense variant. On other transcripts: 5 prime UTR variant (1).
Genome position (GRCh38, 1-based): chr10:49,524,090, C>T on the plus strand (G>A on the coding strand, the complement: ERCC6 is on the minus strand). VCF-style: chr10-49524090-C-T. GRCh37 (hg19) VCF-style: chr10-50732136-C-T.
Other names: c.1340G>A, p.Arg447Gln (NM_001277058.2, NM_001277059.2, NM_001346440.2); c.-65G>A (NM_170753.3); short protein forms R447Q.
Identifiers: ClinVar variation 287233 (VCV000287233.10), dbSNP rs750935710, ClinGen allele CA5496344.